The following is an entry in ClinVar:

ClinVar aggregate classification (germline): Pathogenic (1 of 4 stars; one submission).

Conditions:
Familial infantile myasthenia (CMS6). Also called: MYASTHENIC SYNDROME, PRESYNAPTIC, CONGENITAL, ASSOCIATED WITH EPISODIC APNEA; MYASTHENIC SYNDROME, CONGENITAL, 6, PRESYNAPTIC; Congenital myasthenic syndrome type 6. Identifiers: Orphanet 590, MedGen C0393929, MONDO:0009689, OMIM 254210.

Submission:

Labcorp Genetics (formerly Invitae), Labcorp
Classification: Pathogenic for Familial infantile myasthenia. Last evaluated: 2023-03-09. Review status: criteria provided, single submitter. Criteria: Invitae Variant Classification Sherloc (09022015). Collection method: clinical testing. Allele origin: germline.
Comment: For these reasons, this variant has been classified as Pathogenic. This variant has not been reported in the literature in individuals affected with CHAT-related conditions. This variant is not present in population databases (gnomAD no frequency). This sequence change creates a premature translational stop signal (p.Tyr514*) in the CHAT gene. It is expected to result in an absent or disrupted protein product. Loss-of-function variants in CHAT are known to be pathogenic (PMID: 12548525, 21786365, 23292760).

Literature cited by the submitters: PubMed 12548525; PubMed 21786365; PubMed 23292760.

NM_020549.5(CHAT):c.1542T>A (p.Tyr514Ter)

Gene: CHAT (choline O-acetyltransferase; plus strand). Cytogenetic location: 10q11.23.
Variant type: single nucleotide variant.
Coding change: c.1542T>A on transcript NM_020549.5 (MANE Select); coding-DNA position 1542, T replaced by A.
Protein change: p.Tyr514Ter; replaces tyrosine 514 with a stop codon.
Molecular consequence: nonsense.
Genome position (GRCh38, 1-based): chr10:49,651,914, T>A. VCF-style: chr10-49651914-T-A. GRCh37 (hg19) VCF-style: chr10-50859960-T-A.
Other names: c.1188T>A, p.Tyr396Ter (NM_001142929.2, NM_001142934.2, NM_020984.4 and 2 more transcripts); c.1296T>A, p.Tyr432Ter (NM_001142933.2); short protein forms Y396*, Y432*, Y514*.
Identifiers: ClinVar variation 2784177 (VCV002784177.3), dbSNP rs2538870741, ClinGen allele CA376745674.